The following is an entry in ClinVar:

ClinVar aggregate classification (germline): Pathogenic (1 of 4 stars; one submission).

Conditions:
Asphyxiating thoracic dystrophy 3. Also called: SHORT-RIB THORACIC DYSPLASIA 3 WITH OR WITHOUT POLYDACTYLY; POLYDACTYLY WITH NEONATAL CHONDRODYSTROPHY, TYPE I; SHORT-RIB THORACIC DYSPLASIA 3/6 WITH POLYDACTYLY, DIGENIC; Short rib polydactyly syndrome 2B; Saldino-Noonan Syndrome. Identifiers: Orphanet 474, Orphanet 93269, Orphanet 93270, Orphanet 93271, MedGen C0036069, MONDO:0013127, OMIM 613091.

Submission:

Myriad Genetics, Inc.
Classification: Pathogenic for Asphyxiating thoracic dystrophy 3. Last evaluated: 2026-08-29. Review status: criteria provided, single submitter. Criteria: Myriad Autosomal Dominant, Autosomal Recessive and X-Linked Classification Criteria (2023). Collection method: clinical testing. Allele origin: unknown.
Comment: NM_001377.2(DYNC2H1):c.1374_1381del8(D458Efs*9) is expected to be pathogenic in the context of DYNC2H1-related disorders. This variant is predicted to lead to an abnormal or absent protein product due to the creation of a premature termination codon in DYNC2H1, a gene where loss-of-function variants are known to be pathogenic. Please note: this variant was assessed in the context of healthy population screening.

NM_001377.3(DYNC2H1):c.1374_1381del (p.Asp458fs)

Gene: DYNC2H1 (dynein cytoplasmic 2 heavy chain 1; plus strand). Cytogenetic location: 11q22.3.
Variant type: Deletion.
Coding change: c.1374_1381del on transcript NM_001377.3 (MANE Select); coding-DNA positions 1374 to 1381, 8 bases deleted (CTTTGAGA; older notation c.1374_1381delCTTTGAGA).
Protein change: p.Asp458fs; shifts the reading frame from aspartic acid 458.
Molecular consequence: frameshift variant.
Genome position (GRCh38, 1-based): chr11:103,121,385-103,121,392, CTTTGAGA deleted; deleting any 8 consecutive bases within chr11:103,121,382-103,121,392 gives the same sequence; the c. name uses the placement nearest the transcript's 3' end. VCF-style (leftmost placement, unchanged base first): chr11-103121381-TAGACTTTG-T. GRCh37 (hg19) VCF-style: chr11-102992110-TAGACTTTG-T.
Other names: c.1374_1381del, p.Asp458fs (NM_001080463.2); short protein forms D458fs.
Identifiers: ClinVar variation 5016295 (VCV005016295.1).
Genomic context (GRCh38, chr11:103,121,381, plus strand): 5'-GGAAATCTTTGCTAATTCTTTGTAATCATTTATTTGATTTAAATTTTATAGATTTTCGAT[TAGACTTTG>T]AGAATCGGTGCCGAGGAATTCCTGGTGATGCATCTGGACCACTTTCTGGCAAAAATCTTT-3'